The following is an entry in ClinVar:

ClinVar aggregate classification (germline): Pathogenic (1 of 4 stars; one submission).

Submission:

GeneDx
Classification: Pathogenic. Last evaluated: 2015-10-29. Review status: criteria provided, single submitter. Criteria: GeneDx Variant Classification (06012015). Collection method: clinical testing. Allele origin: germline. Affected: yes.
Comment: The c.4229delC pathogenic variant in the SHANK3 gene has not been reported previously as apathogenic variant nor as a benign variant, to our knowledge. The c.4229delC variant causes aframeshift starting with codon Proline 1410, changes this amino acid to a Histidine residue, andcreates a premature Stop codon at position 18 of the new reading frame, denoted p.Pro1410HisfsX18.This variant is predicted to cause loss of normal protein function either through protein truncation ornonsense-mediated mRNA decay. The c.4229delC variant was not observed in approximately 6400individuals of European and African American ancestry in the NHLBI Exome Sequencing Project,indicating it is not a common benign variant in these populations. We interpret c.4229delC as apathogenic variant.

NM_001372044.2(SHANK3):c.4454del (p.Pro1485fs)

Gene: SHANK3 (SH3 and multiple ankyrin repeat domains 3; plus strand). Cytogenetic location: 22q13.33.
Variant type: Deletion.
Coding change: c.4454del on transcript NM_001372044.2 (MANE Select); coding-DNA position 4454, one base deleted (C; older notation c.4454delC).
Protein change: p.Pro1485fs; shifts the reading frame from proline 1485.
Molecular consequence: frameshift variant.
Genome position (GRCh38, 1-based): chr22:50,722,062, C deleted; the last of 2 consecutive C bases (chr22:50,722,061-50,722,062); deleting either gives the same sequence. VCF-style (leftmost placement, unchanged base first): chr22-50722060-GC-G. GRCh37 (hg19) VCF-style: chr22-51160488-GC-G.
Other names: c.4229delC, p.Pro1410Hisfs (NM_033517.1); short protein forms P1485fs.
Identifiers: ClinVar variation 430006 (VCV000430006.2), dbSNP rs1131691727, ClinGen allele CA645369800.